The following is an entry in ClinVar:

ClinVar aggregate classification (germline): Uncertain significance. Review status: criteria provided, multiple submitters, no conflicts (2 of 4 stars). 3 submissions from 3 submitters: Uncertain significance (2). 1 of the submissions does not count toward it. Last evaluated 2025-10-05.

Conditions:
MAGEL2-related disorder. Also called: MAGEL2-related condition.
Inborn genetic diseases. Identifiers: MedGen C0950123, MeSH D030342.

gnomAD v4.1: 5 of 1,571,876 alleles (0.00032%); highest among the groups gnomAD compares: Admixed American, 0.0055%; no homozygotes.

Submissions (3):

Labcorp Genetics (formerly Invitae), Labcorp
Classification: Uncertain significance. Last evaluated: 2025-10-05. Review status: criteria provided, single submitter. Criteria: Invitae Variant Classification Sherloc (09022015). Collection method: clinical testing. Allele origin: germline.
Comment: This sequence change replaces glutamine, which is neutral and polar, with lysine, which is basic and polar, at codon 666 of the MAGEL2 protein (p.Gln666Lys). The frequency data for this variant in the population databases is considered unreliable, as metrics indicate poor data quality at this position in the gnomAD database. This variant has not been reported in the literature in individuals affected with MAGEL2-related conditions. ClinVar contains an entry for this variant (Variation ID: 1439166). Invitae Evidence Modeling of protein sequence and biophysical properties (such as structural, functional, and spatial information, amino acid conservation, physicochemical variation, residue mobility, and thermodynamic stability) indicates that this missense variant is not expected to disrupt MAGEL2 protein function with a negative predictive value of 80%. In summary, the available evidence is currently insufficient to determine the role of this variant in disease. Therefore, it has been classified as a Variant of Uncertain Significance.

Ambry Genetics
Classification: Uncertain significance for Inborn genetic diseases. Last evaluated: 2025-03-06. Review status: criteria provided, single submitter. Criteria: Ambry Variant Classification Scheme 2023. Collection method: clinical testing. Allele origin: germline.

PreventionGenetics, part of Exact Sciences
Classification: Uncertain significance for MAGEL2-related condition. Last evaluated: 2023-12-17. Review status: no assertion criteria provided. Collection method: clinical testing. Allele origin: germline. Not counted in ClinVar's aggregate classification.
Comment: The MAGEL2 c.1996C>A variant is predicted to result in the amino acid substitution p.Gln666Lys. To our knowledge, this variant has not been reported in the literature. This variant is reported in 0.0071% of alleles in individuals of Latino descent in gnomAD. At this time, the clinical significance of this variant is uncertain due to the absence of conclusive functional and genetic evidence.

NM_019066.5(MAGEL2):c.1996C>A (p.Gln666Lys)

Gene: MAGEL2 (MAGE family member L2; minus strand). Cytogenetic location: 15q11.2.
Variant type: single nucleotide variant.
Coding change: c.1996C>A on transcript NM_019066.5 (MANE Select); coding-DNA position 1996, C replaced by A.
Protein change: p.Gln666Lys; replaces glutamine 666 with lysine.
Molecular consequence: missense variant.
Genome position (GRCh38, 1-based): chr15:23,645,747, G>T on the plus strand (C>A on the coding strand, the complement: MAGEL2 is on the minus strand). VCF-style: chr15-23645747-G-T. GRCh37 (hg19) VCF-style: chr15-23890894-G-T.
Other names: c.1996C>A (NM_019066.4); short protein forms Q666K.
Identifiers: ClinVar variation 1439166 (VCV001439166.11), dbSNP rs752097874, ClinGen allele CA7429981.
Genomic context (GRCh38, chr15:23,645,747, plus strand): 5'-AGGAAGGCTGGAGCGGCAGTGTGGGCACCTCCGCTTGCGGACCCGATGCCTGGGCCTGCT[G>T]GGGGGGTAGCTGGATTTGCACGGCTTTTTGGGAGGGCGGGGCTCCCTGAAAGGGCTGCTC-3'
Protein context (NP_061939.3, residues 656-676): QKAVQIQLPP[Gln666Lys]QAQASGPQAE